The following is an entry in ClinVar:

NM_000533.5(PLP1):c.5-1G>A

Genes: PLP1 (proteolipid protein 1; plus strand), RAB9B (RAB9B, member RAS oncogene family; minus strand). Cytogenetic location: Xq22.2.
Variant type: single nucleotide variant.
Coding change: c.5-1G>A on transcript NM_000533.5 (MANE Select); the canonical splice acceptor site of the intron before coding-DNA position 5, G replaced by A.
Molecular consequence: splice acceptor variant. On other transcripts: intron variant (1).
Genome position (GRCh38, 1-based): chrX:103,785,581, G>A. VCF-style: chrX-103785581-G-A. GRCh37 (hg19) VCF-style: chrX-103040510-G-A.
Other names: c.5-1G>A (NM_001128834.3, NM_199478.3); c.5-166G>A (NM_001305004.1).
Identifiers: ClinVar variation 2002058 (VCV002002058.4), dbSNP rs2522300691, ClinGen allele CA414101717.

ClinVar aggregate classification (germline): Likely pathogenic (1 of 4 stars; one submission).

Conditions:
Hereditary spastic paraplegia 2 (SPG2). Also called: Spastic Paraplegia 2 (SPG2); SPASTIC PARAPLEGIA 2, X-LINKED. Identifiers: Orphanet 99015, MedGen C0751604, MONDO:0010733, OMIM 312920.

Submission:

Labcorp Genetics (formerly Invitae), Labcorp
Classification: Likely pathogenic for Hereditary spastic paraplegia 2. Last evaluated: 2024-10-07. Review status: criteria provided, single submitter. Criteria: Invitae Variant Classification Sherloc (09022015). Collection method: clinical testing. Allele origin: germline.
Comment: This sequence change affects an acceptor splice site in intron 1 of the PLP1 gene. It is expected to disrupt RNA splicing. Variants that disrupt the donor or acceptor splice site typically lead to a loss of protein function (PMID: 16199547), and loss-of-function variants in PLP1 are known to be pathogenic (PMID: 18470932). This variant is not present in population databases (gnomAD no frequency). This variant has not been reported in the literature in individuals affected with PLP1-related conditions. ClinVar contains an entry for this variant (Variation ID: 2002058). Algorithms developed to predict the effect of sequence changes on RNA splicing suggest that this variant may disrupt the consensus splice site. In summary, the currently available evidence indicates that the variant is pathogenic, but additional data are needed to prove that conclusively. Therefore, this variant has been classified as Likely Pathogenic.

Literature cited by the submitters: PubMed 16199547; PubMed 18470932.